The following is an entry in ClinVar:

NM_000051.4(ATM):c.3285-9del

Gene: ATM (ATM serine/threonine kinase; plus strand). Cytogenetic location: 11q22.3.
Variant type: Deletion.
Coding change: c.3285-9del on transcript NM_000051.4 (MANE Select); 9 bases into the intron before coding-DNA position 3285, one base deleted (T; older notation c.3285-9delT).
Molecular consequence: intron variant.
Genome position (GRCh38, 1-based): chr11:108,279,482, T deleted; the last of 2 consecutive T bases (chr11:108,279,481-108,279,482); deleting either gives the same sequence. VCF-style (leftmost placement, unchanged base first): chr11-108279480-CT-C. GRCh37 (hg19) VCF-style: chr11-108150207-CT-C.
Other names: p.?; c.3285-10delT (NM_000051.3); c.3285-9delT (NM_000051.3); c.3285-9del (NM_001351834.2).
Identifiers: ClinVar variation 181857 (VCV000181857.46), dbSNP rs1799757, ClinGen allele CA297998.

ClinVar aggregate classification (germline): Benign/Likely benign. Review status: criteria provided, multiple submitters, no conflicts (2 of 4 stars). 21 submissions from 21 submitters: Benign (12); Likely benign (3). 6 of the submissions do not count toward it. Last evaluated 2026-02-04.

Conditions:
Hereditary cancer-predisposing syndrome. Also called: Tumor predisposition; Neoplastic Syndromes, Hereditary; Hereditary neoplastic syndrome; Hereditary Cancer Syndrome. Identifiers: Orphanet 140162, MedGen C0027672, MeSH D009386, MONDO:0015356.
Hereditary breast ovarian cancer syndrome. Also called: Hereditary breast and ovarian cancer syndrome; Hereditary breast and ovarian cancer syndrome (HBOC); Hereditary breast and ovarian cancer; Breast and ovarian cancer; BRCA1- and BRCA2-Associated Hereditary Breast and Ovarian Cancer; Hereditary breast and/or ovarian cancer syndrome. Identifiers: Orphanet 145, MedGen C0677776, MeSH D061325, MONDO:0003582. Disease mechanism: loss of function.
Familial cancer of breast. Also called: BREAST CANCER, FAMILIAL; hereditary breast carcinoma; Hereditary breast cancer. Identifiers: Orphanet 227535, MedGen C0346153, MONDO:0016419, OMIM 114480. Disease mechanism: loss of function.
Ataxia-telangiectasia syndrome (AT). Also called: LOUIS-BAR SYNDROME; Ataxia-telangiectasia, complementation group D; AT, COMPLEMENTATION GROUP C; ATAXIA-TELANGIECTASIA, COMPLEMENTATION GROUP A; ATAXIA-TELANGIECTASIA, FRESNO VARIANT; Ataxia-telangiectasia. Identifiers: Orphanet 100, MedGen C0004135, MONDO:0008840, OMIM 208900.

Submissions (21):

Labcorp Genetics (formerly Invitae), Labcorp
Classification: Benign for Ataxia-telangiectasia syndrome. Last evaluated: 2026-02-04. Review status: criteria provided, single submitter. Criteria: Invitae Variant Classification Sherloc (09022015). Collection method: clinical testing. Allele origin: germline.

ARUP Laboratories, Molecular Genetics and Genomics, ARUP Laboratories
Classification: Benign. Last evaluated: 2025-07-30. Review status: criteria provided, single submitter. Criteria: ARUP Molecular Germline Variant Investigation Process 2024. Collection method: clinical testing. Allele origin: germline.

Blueprint Genetics
Classification: Likely benign. Last evaluated: 2024-11-27. Review status: criteria provided, single submitter. Criteria: ACMG Guidelines, 2015. Collection method: clinical testing. Allele origin: germline.

Myriad Genetics, Inc.
Classification: Benign for Familial cancer of breast. Last evaluated: 2024-05-14. Review status: criteria provided, single submitter. Criteria: Myriad Autosomal Dominant, Autosomal Recessive and X-Linked Classification Criteria (2023). Collection method: clinical testing. Allele origin: unknown.
Comment: This variant is considered benign. This variant is intronic and is not expected to impact mRNA splicing. This variant has been observed at a population frequency that is significantly greater than expected given the associated disease prevalence and penetrance.

Mayo Clinic Laboratories, Mayo Clinic
Classification: Benign. Last evaluated: 2022-05-05. Review status: criteria provided, single submitter. Criteria: ACMG Guidelines, 2015. Collection method: clinical testing. Allele origin: germline. Observed: 770 variant alleles.

National Health Laboratory Service, Universitas Academic Hospital and University of the Free State
Classification: Benign for Hereditary breast ovarian cancer syndrome. Last evaluated: 2022-04-19. Review status: criteria provided, single submitter. Criteria: ACMG Guidelines, 2015. Collection method: clinical testing. Allele origin: germline. Affected: yes. Observed: 23 variant alleles.

Institute for Clinical Genetics, University Hospital TU Dresden, University Hospital TU Dresden
Classification: Likely benign. Last evaluated: 2021-11-03. Review status: criteria provided, single submitter. Criteria: ACMG Guidelines, 2015. Collection method: clinical testing. Allele origin: germline.

Genome-Nilou Lab
Classification: Benign for Ataxia-telangiectasia syndrome. Last evaluated: 2021-07-14. Review status: criteria provided, single submitter. Criteria: ACMG Guidelines, 2015. Collection method: clinical testing. Allele origin: germline. Affected: no.

Athena Diagnostics
Classification: Benign. Last evaluated: 2017-05-16. Review status: criteria provided, single submitter. Criteria: Athena Diagnostics Criteria. Collection method: clinical testing. Allele origin: unknown.

Laboratory for Molecular Medicine, Mass General Brigham Personalized Medicine
Classification: Benign. Last evaluated: 2016-03-28. Review status: criteria provided, single submitter. Criteria: LMM Criteria. Collection method: clinical testing. Allele origin: germline.
Comment: Variant identified in a genome or exome case(s) and assessed due to predicted null impact of the variant or pathogenic assertions in the literature or databases. Disclaimer: This variant has not undergone full assessment. The following are preliminary notes: Frequency

Ambry Genetics
Classification: Benign for Hereditary cancer-predisposing syndrome. Last evaluated: 2015-05-12. Review status: criteria provided, single submitter. Criteria: Ambry Variant Classification Scheme 2023. Collection method: clinical testing. Allele origin: germline.

Color Diagnostics, LLC DBA Color Health
Classification: Benign for Hereditary cancer-predisposing syndrome. Last evaluated: 2015-03-31. Review status: criteria provided, single submitter. Criteria: ACMG Guidelines, 2015. Collection method: clinical testing. Allele origin: germline.

Genome Diagnostics Laboratory, University Medical Center Utrecht
Classification: Likely benign for Ataxia-telangiectasia syndrome. Last evaluated: 2014-10-09. Review status: criteria provided, single submitter. Criteria: ACGS Guidelines, 2013. Collection method: clinical testing. Allele origin: germline. Affected: yes. Study: VKGL Data-share Consensus.

GeneDx
Classification: Benign. Last evaluated: 2013-10-15. Review status: criteria provided, single submitter. Criteria: GeneDx Variant Classification (06012015). Collection method: clinical testing. Allele origin: germline. Affected: yes.
Comment: This variant is considered likely benign or benign based on one or more of the following criteria: it is a conservative change, it occurs at a poorly conserved position in the protein, it is predicted to be benign by multiple in silico algorithms, and/or has population frequency not consistent with disease.

PreventionGenetics, part of Exact Sciences
Classification: Benign. Review status: criteria provided, single submitter. Criteria: ACMG Guidelines, 2015. Collection method: clinical testing. Allele origin: germline.

Clinical Genetics Laboratory, Department of Pathology, Netherlands Cancer Institute
Classification: Benign. Review status: no assertion criteria provided. Collection method: clinical testing. Allele origin: germline. Affected: yes. Study: VKGL Data-share Consensus. Not counted in ClinVar's aggregate classification.

Clinical Genetics, Academic Medical Center
Classification: Benign. Review status: no assertion criteria provided. Collection method: clinical testing. Allele origin: germline. Affected: yes. Study: VKGL Data-share Consensus. Not counted in ClinVar's aggregate classification.

Diagnostic Laboratory, Department of Genetics, University Medical Center Groningen
Classification: Benign. Review status: no assertion criteria provided. Collection method: clinical testing. Allele origin: germline. Affected: yes. Study: VKGL Data-share Consensus. Not counted in ClinVar's aggregate classification.

Genome Diagnostics Laboratory, Amsterdam University Medical Center
Classification: Benign. Review status: no assertion criteria provided. Collection method: clinical testing. Allele origin: germline. Affected: yes. Study: VKGL Data-share Consensus. Not counted in ClinVar's aggregate classification.

Joint Genome Diagnostic Labs from Nijmegen and Maastricht, Radboudumc and MUMC+
Classification: Benign. Review status: no assertion criteria provided. Collection method: clinical testing. Allele origin: germline. Affected: yes. Study: VKGL Data-share Consensus. Not counted in ClinVar's aggregate classification.

Laboratory of Diagnostic Genome Analysis, Leiden University Medical Center (LUMC)
Classification: Likely benign. Review status: no assertion criteria provided. Collection method: clinical testing. Allele origin: germline. Affected: yes. Study: VKGL Data-share Consensus. Not counted in ClinVar's aggregate classification.